The following is an entry in ClinVar:

ClinVar aggregate classification (germline): Conflicting classifications of pathogenicity. Review status: criteria provided, conflicting classifications (1 of 4 stars). 4 submissions from 4 submitters: Uncertain significance (3); Likely benign (1). Last evaluated 2025-12-13.

Conditions:
RYR1-related disorder. Also called: RYR1-related condition; RYR1-related disorders. Identifiers: MedGen CN239331.
Malignant hyperthermia, susceptibility to, 1 (MHS1). Also called: Anesthesia related hyperthermia; Malignant hyperpyrexia; Fulminating hyperpyrexia; Pharmacogenic myopathy; Malignant hyperthermia suceptibility 1; RYR1-Related Malignant Hyperthermia Susceptibility. Identifiers: Orphanet 423, MedGen C2930980, MONDO:0007783, OMIM 145600.

Allele frequency attached by ClinVar (database versions not stated): gnomAD 0.00001; TOPMed 0.00002; gnomAD exomes 0.00003 and 0.00006; ExAC 0.00008; ESP Exome Variant Server 0.00008.
gnomAD v4.1: 54 of 1,614,122 alleles (0.0033%); highest among the groups gnomAD compares: South Asian, 0.026%; 1 homozygote.

Submissions (4):

Labcorp Genetics (formerly Invitae), Labcorp
Classification: Likely benign for RYR1-related disorder. Last evaluated: 2025-12-13. Review status: criteria provided, single submitter. Criteria: Invitae Variant Classification Sherloc (09022015). Collection method: clinical testing. Allele origin: germline.

GeneDx
Classification: Uncertain significance. Last evaluated: 2024-11-20. Review status: criteria provided, single submitter. Criteria: GeneDx Variant Classification Process June 2021. Collection method: clinical testing. Allele origin: germline. Affected: yes.
Comment: In silico analysis supports that this missense variant has a deleterious effect on protein structure/function; Has not been previously published as pathogenic or benign to our knowledge

All of Us Research Program, National Institutes of Health
Classification: Uncertain significance for Malignant hyperthermia, susceptibility to, 1. Last evaluated: 2024-05-14. Review status: criteria provided, single submitter. Criteria: ACMG Guidelines, 2015. Collection method: clinical testing. Allele origin: germline. Inheritance: Autosomal dominant inheritance. Observed: 9 variant alleles, 9 heterozygotes.
Comment: This missense variant replaces valine with methionine at codon 4034 of the RYR1 protein. Computational prediction suggests that this variant may not impact protein structure and function (internally defined REVEL score threshold <= 0.5, PMID: 27666373). To our knowledge, functional studies have not been reported for this variant. This variant has not been reported in individuals affected with RYR1-related disorders in the literature. This variant has been identified in 14/251426 chromosomes in the general population by the Genome Aggregation Database (gnomAD). The available evidence is insufficient to determine the role of this variant in disease conclusively. Therefore, this variant is classified as a Variant of Uncertain Significance.

This study involves interpretation of variants in research participants for the purpose of population health screening. Participant phenotype was not available at the time of variant classification. Additional details can be found in publication PMID: 35346344, PMCID: PMC8962531

Color Diagnostics, LLC DBA Color Health
Classification: Uncertain significance for Malignant hyperthermia, susceptibility to, 1. Last evaluated: 2024-02-15. Review status: criteria provided, single submitter. Criteria: ACMG Guidelines, 2015. Collection method: clinical testing. Allele origin: germline.
Comment: This missense variant replaces valine with methionine at codon 4034 of the RYR1 protein. Computational prediction suggests that this variant may not impact protein structure and function. To our knowledge, functional studies have not been reported for this variant. This variant has not been reported in individuals affected with RYR1-related disorders in the literature. This variant has been identified in 14/251426 chromosomes in the general population by the Genome Aggregation Database (gnomAD). The available evidence is insufficient to determine the role of this variant in disease conclusively. Therefore, this variant is classified as a Variant of Uncertain Significance.

NM_000540.3(RYR1):c.12100G>A (p.Val4034Met)

Gene: RYR1 (ryanodine receptor 1; plus strand). Cytogenetic location: 19q13.2.
Variant type: single nucleotide variant.
Coding change: c.12100G>A on transcript NM_000540.3 (MANE Select); coding-DNA position 12100, G replaced by A.
Protein change: p.Val4034Met; replaces valine 4034 with methionine.
Molecular consequence: missense variant.
Genome position (GRCh38, 1-based): chr19:38,548,238, G>A. VCF-style: chr19-38548238-G-A. GRCh37 (hg19) VCF-style: chr19-39038878-G-A.
Other names: c.12100G>A (NM_000540.2); c.12085G>A, p.Val4029Met (NM_001042723.2); short protein forms V4029M, V4034M.
Identifiers: ClinVar variation 1155564 (VCV001155564.17), dbSNP rs372447264, ClinGen allele CA058270.